The following is an entry in ClinVar:

NM_006767.4(LZTR1):c.321-2del

Gene: LZTR1 (leucine zipper like post translational regulator 1; plus strand). Cytogenetic location: 22q11.21.
Variant type: Deletion.
Coding change: c.321-2del on transcript NM_006767.4 (MANE Select); the canonical splice acceptor site of the intron before coding-DNA position 321, one base deleted (A; older notation c.321-2delA).
Molecular consequence: splice acceptor variant.
Genome position (GRCh38, 1-based): chr22:20,987,502, A deleted. VCF-style (leftmost placement, unchanged base first): chr22-20987501-CA-C. GRCh37 (hg19) VCF-style: chr22-21341790-CA-C.
Identifiers: ClinVar variation 1728959 (VCV001728959.8), dbSNP rs2518612397, ClinGen allele CA2538132993.

ClinVar aggregate classification (germline): Pathogenic/Likely pathogenic. Review status: criteria provided, multiple submitters, no conflicts (2 of 4 stars). 3 submissions from 3 submitters: Pathogenic (2); Likely pathogenic (1). Last evaluated 2025-06-08.

Conditions:
Cardiovascular phenotype. Identifiers: MedGen CN230736.
Hereditary cancer-predisposing syndrome. Also called: Tumor predisposition; Neoplastic Syndromes, Hereditary; Hereditary Cancer Syndrome; Hereditary neoplastic syndrome. Identifiers: Orphanet 140162, MedGen C0027672, MeSH D009386, MONDO:0015356.

Submissions (3):

Labcorp Genetics (formerly Invitae), Labcorp
Classification: Likely pathogenic. Last evaluated: 2025-06-08. Review status: criteria provided, single submitter. Criteria: Invitae Variant Classification Sherloc (09022015). Collection method: clinical testing. Allele origin: germline.
Comment: This sequence change affects a splice site in intron 3 of the LZTR1 gene. It is expected to disrupt RNA splicing. Variants that disrupt the donor or acceptor splice site typically lead to a loss of protein function (PMID: 16199547), and loss-of-function variants in LZTR1 are known to be pathogenic (PMID: 24362817, 25335493, 25480913, 25795793, 29469822, 30368668, 30442762, 30442766, 30481304, 30859559). This variant is not present in population databases (gnomAD no frequency). This variant has not been reported in the literature in individuals affected with LZTR1-related conditions. ClinVar contains an entry for this variant (Variation ID: 1728959). Algorithms developed to predict the effect of sequence changes on RNA splicing suggest that this variant may disrupt the consensus splice site. In summary, the currently available evidence indicates that the variant is pathogenic, but additional data are needed to prove that conclusively. Therefore, this variant has been classified as Likely Pathogenic.

Ambry Genetics
Classification: Pathogenic for Cardiovascular phenotype; Hereditary cancer-predisposing syndrome. Last evaluated: 2024-12-09. Review status: criteria provided, single submitter. Criteria: Ambry Variant Classification Scheme 2023. Collection method: clinical testing. Allele origin: germline.
Comment: The c.321-2delA intronic pathogenic mutation, located in intron 3 of the LZTR1 gene, results from a deletion of one nucleotide within intron 3 of the LZTR1 gene. This mutation has been detected in multiple individuals with schwannomatosis (Hutter S et al. Acta Neuropathol, 2014 Sep;128:449-52; Ambry internal data). This variant is considered to be rare based on population cohorts in the Genome Aggregation Database (gnomAD). In silico splice site analysis predicts that this alteration will weaken the native splice acceptor site. RNA studies have demonstrated that this alteration results in exon skipping, leading to out-of-frame transcript (Hutter S et al. Acta Neuropathol, 2014 Sep;128:449-52; Ambry internal data). Loss-of-function variants in LZTR1 are related to an increased risk for schwannomas and autosomal recessive Noonan syndrome; however, such associations with autosomal dominant Noonan syndrome have not been observed (Piotrowski A et al. Nat Genet. 2014 Feb;46:182-7; Yamamoto GL et al. J Med Genet. 2015 Jun;52:413-21; Johnston JJ et al. Genet Med. 2018 10;20:1175-1185). Based on the supporting evidence, this variant is pathogenic for an increased risk of LZTR1-related schwannomatosis (SWN) and would be expected to cause autosomal recessive Noonan syndrome when present along with a second pathogenic or likely pathogenic variant on the other allele; however, the association of this alteration with autosomal dominant Noonan syndrome is unlikely.

GeneDx
Classification: Pathogenic. Last evaluated: 2024-03-06. Review status: criteria provided, single submitter. Criteria: GeneDx Variant Classification Process June 2021. Collection method: clinical testing. Allele origin: germline. Affected: yes.
Comment: Canonical splice site variant demonstrated to result in aberrant splicing resulting in a null allele in a gene for which loss of function is a known mechanism of disease (PMID: 25008767); Not observed at significant frequency in large population cohorts (gnomAD); This variant is associated with the following publications: (PMID: 25008767)

Literature cited by the submitters: PubMed 16199547 (cited by Labcorp Genetics (formerly Invitae), Labcorp); PubMed 24362817 (cited by Labcorp Genetics (formerly Invitae), Labcorp); PubMed 25335493 (cited by Labcorp Genetics (formerly Invitae), Labcorp); PubMed 25480913 (cited by Labcorp Genetics (formerly Invitae), Labcorp); PubMed 25795793 (cited by Labcorp Genetics (formerly Invitae), Labcorp); PubMed 29469822 (cited by Labcorp Genetics (formerly Invitae), Labcorp); PubMed 30368668 (cited by Labcorp Genetics (formerly Invitae), Labcorp); PubMed 30442762 (cited by Labcorp Genetics (formerly Invitae), Labcorp); PubMed 30442766 (cited by Labcorp Genetics (formerly Invitae), Labcorp); PubMed 30481304 (cited by Labcorp Genetics (formerly Invitae), Labcorp); PubMed 30859559 (cited by Labcorp Genetics (formerly Invitae), Labcorp); PubMed 25008767 (cited by Ambry Genetics).